The following is an entry in ClinVar:

ClinVar aggregate classification (germline): Uncertain significance (1 of 4 stars; one submission).

Submission:

Labcorp Genetics (formerly Invitae), Labcorp
Classification: Uncertain significance. Last evaluated: 2025-01-06. Review status: criteria provided, single submitter. Criteria: Invitae Variant Classification Sherloc (09022015). Collection method: clinical testing. Allele origin: germline.
Comment: This sequence change replaces lysine, which is basic and polar, with arginine, which is basic and polar, at codon 84 of the HS6ST1 protein (p.Lys84Arg). This variant is present in population databases (no rsID available, gnomAD 0.009%). This variant has not been reported in the literature in individuals affected with HS6ST1-related conditions. Invitae Evidence Modeling of protein sequence and biophysical properties (such as structural, functional, and spatial information, amino acid conservation, physicochemical variation, residue mobility, and thermodynamic stability) indicates that this missense variant is not expected to disrupt HS6ST1 protein function with a negative predictive value of 80%. In summary, the available evidence is currently insufficient to determine the role of this variant in disease. Therefore, it has been classified as a Variant of Uncertain Significance.

NM_004807.3(HS6ST1):c.251A>G (p.Lys84Arg)

Gene: HS6ST1 (heparan sulfate 6-O-sulfotransferase 1; minus strand). Cytogenetic location: 2q14.3.
Variant type: single nucleotide variant.
Coding change: c.251A>G on transcript NM_004807.3 (MANE Select); coding-DNA position 251, A replaced by G.
Protein change: p.Lys84Arg; replaces lysine 84 with arginine.
Molecular consequence: missense variant.
Genome position (GRCh38, 1-based): chr2:128,318,313, T>C on the plus strand (A>G on the coding strand, the complement: HS6ST1 is on the minus strand). VCF-style: chr2-128318313-T-C. GRCh37 (hg19) VCF-style: chr2-129075887-T-C.
Other names: short protein forms K84R.
Identifiers: ClinVar variation 3625204 (VCV003625204.2).